The following is an entry in ClinVar:

NM_005751.5(AKAP9):c.11229G>A (p.Met3743Ile)

Gene: AKAP9 (A-kinase anchoring protein 9; plus strand). Cytogenetic location: 7q21.2.
Variant type: single nucleotide variant.
Coding change: c.11229G>A on transcript NM_005751.5 (MANE Select); coding-DNA position 11229, G replaced by A.
Protein change: p.Met3743Ile; replaces methionine 3743 with isoleucine.
Molecular consequence: missense variant.
Genome position (GRCh38, 1-based): chr7:92,102,725, G>A. VCF-style: chr7-92102725-G-A. GRCh37 (hg19) VCF-style: chr7-91732039-G-A.
Other names: c.5874G>A, p.Met1958Ile (NM_001379277.1); c.11205G>A, p.Met3735Ile (NM_147185.3); short protein forms M3743I, M3735I, M1958I.
Identifiers: ClinVar variation 191529 (VCV000191529.19), dbSNP rs143306820, ClinGen allele CA236909.

ClinVar aggregate classification (germline): Conflicting classifications of pathogenicity. Review status: criteria provided, conflicting classifications (1 of 4 stars). 4 submissions from 4 submitters: Uncertain significance (2); Likely benign (2). Last evaluated 2025-11-21.

Conditions:
Long QT syndrome (LQTS). Identifiers: MedGen C0023976, MeSH D008133, MONDO:0002442. Disease mechanism: loss of function. Inheritance: Various modes of inheritance.
Cardiovascular phenotype. Identifiers: MedGen CN230736.

Allele frequency attached by ClinVar (database versions not stated): TOPMed 0.00003.
gnomAD v4.1: 105 of 1,613,990 alleles (0.0065%); highest among the groups gnomAD compares: Middle Eastern, 0.066%; no homozygotes.

Submissions (4):

Labcorp Genetics (formerly Invitae), Labcorp
Classification: Uncertain significance for Long QT syndrome. Last evaluated: 2025-11-21. Review status: criteria provided, single submitter. Criteria: Invitae Variant Classification Sherloc (09022015). Collection method: clinical testing. Allele origin: germline.
Comment: This sequence change replaces methionine, which is neutral and non-polar, with isoleucine, which is neutral and non-polar, at codon 3743 of the AKAP9 protein (p.Met3743Ile). This variant is present in population databases (rs143306820, gnomAD 0.009%). This missense change has been observed in individual(s) with AKAP9-related conditions (PMID: 30276209, 30471092, 30847666). ClinVar contains an entry for this variant (Variation ID: 191529). An algorithm developed to predict the effect of missense changes on protein structure and function (PolyPhen-2) suggests that this variant is likely to be tolerated. In summary, the available evidence is currently insufficient to determine the role of this variant in disease. Therefore, it has been classified as a Variant of Uncertain Significance.

Ambry Genetics
Classification: Uncertain significance for Cardiovascular phenotype. Last evaluated: 2025-02-23. Review status: criteria provided, single submitter. Criteria: Ambry Variant Classification Scheme 2023. Collection method: clinical testing. Allele origin: germline.
Comment: The p.M3743I variant (also known as c.11229G>A), located in coding exon 46 of the AKAP9 gene, results from a G to A substitution at nucleotide position 11229. The methionine at codon 3743 is replaced by isoleucine, an amino acid with highly similar properties. This amino acid position is highly conserved in available vertebrate species. In addition, the in silico prediction for this alteration is inconclusive. The evidence for this gene-disease relationship is limited; therefore, the clinical significance of this alteration is unclear.

Women's Health and Genetics/Laboratory Corporation of America, LabCorp
Classification: Likely benign. Last evaluated: 2023-10-31. Review status: criteria provided, single submitter. Criteria: LabCorp Variant Classification Summary - May 2015. Collection method: clinical testing. Allele origin: germline.
Comment: Variant summary: AKAP9 c.11229G>A (p.Met3743Ile) results in a conservative amino acid change located in the Pericentrin/AKAP-450 centrosomal targeting domain (IPR019528) of the encoded protein sequence. Two of four in-silico tools predict a benign effect of the variant on protein function. The variant allele was found at a frequency of 6.4e-05 in 282538 control chromosomes, predominantly at a frequency of 9.3e-05 within the Non-Finnish European subpopulation in the gnomAD database. The observed variant frequency within Non-Finnish European control individuals in the gnomAD database is approximately 28 fold of the estimated maximal expected allele frequency for a pathogenic variant in AKAP9 causing Long QT Syndrome phenotype (3.3e-06), strongly suggesting that the variant is a benign polymorphism found primarily in populations of Non-Finnish European origin. c.11229G>A has been reported in the literature in individuals affected with arrhythmia (Donate Puertas_2018, van Lint_2019). These reports do not provide unequivocal conclusions about association of the variant with Long QT Syndrome. To our knowledge, no experimental evidence demonstrating an impact on protein function has been reported. The following publications have been ascertained in the context of this evaluation (PMID: 30847666, 30471092, 34088380, 30276209). Three clinical diagnostic laboratories have submitted clinical-significance assessments for this variant to ClinVar after 2014 without evidence for independent evaluation. All laboratories classified the variant as uncertain significance. Based on the evidence outlined above, the variant was classified as likely benign.

Biesecker Lab/Clinical Genomics Section, National Institutes of Health
Classification: Likely benign. Last evaluated: 2013-06-24. Review status: criteria provided, single submitter. Criteria: Ng et al. (Circ Cardiovasc Genet. 2013). Collection method: research. Allele origin: unknown. Observed: 2 variant alleles. Study: ClinSeq.
Comment: The study set was not selected for affection status in relation to any cancer. Pathogenicity categories were based on literature curation. See Pubmed ID:23861362 for details.

Medical sequencing

Literature cited by the submitters: PubMed 30276209 (cited by Labcorp Genetics (formerly Invitae), Labcorp and Women's Health and Genetics/Laboratory Corporation of America, LabCorp); PubMed 30471092 (cited by Labcorp Genetics (formerly Invitae), Labcorp and Women's Health and Genetics/Laboratory Corporation of America, LabCorp); PubMed 30847666 (cited by Labcorp Genetics (formerly Invitae), Labcorp and Women's Health and Genetics/Laboratory Corporation of America, LabCorp); PubMed 23861362 (cited by Ambry Genetics); PubMed 26743238 (cited by Ambry Genetics); PubMed 34088380 (cited by Women's Health and Genetics/Laboratory Corporation of America, LabCorp).